The following is an entry in ClinVar:

NM_001220.5(CAMK2B):c.673C>T (p.Gln225Ter)

Gene: CAMK2B (calcium/calmodulin dependent protein kinase II beta; minus strand). Cytogenetic location: 7p13.
Variant type: single nucleotide variant.
Coding change: c.673C>T on transcript NM_001220.5 (MANE Select); coding-DNA position 673, C replaced by T.
Protein change: p.Gln225Ter; replaces glutamine 225 with a stop codon.
Molecular consequence: nonsense.
Genome position (GRCh38, 1-based): chr7:44,242,583, G>A on the plus strand (C>T on the coding strand, the complement: CAMK2B is on the minus strand). VCF-style: chr7-44242583-G-A. GRCh37 (hg19) VCF-style: chr7-44282182-G-A.
Other names: c.673C>T, p.Gln225Ter (NM_001293170.2, NM_172078.3, NM_172079.3 and 5 more transcripts); short protein forms Q225*.
Identifiers: ClinVar variation 2816528 (VCV002816528.3), dbSNP rs2486049814, ClinGen allele CA367364700.

ClinVar aggregate classification (germline): Uncertain significance (1 of 4 stars; one submission).

Submission:

Labcorp Genetics (formerly Invitae), Labcorp
Classification: Uncertain significance. Last evaluated: 2023-04-14. Review status: criteria provided, single submitter. Criteria: Invitae Variant Classification Sherloc (09022015). Collection method: clinical testing. Allele origin: germline.
Comment: In summary, the available evidence is currently insufficient to determine the role of this variant in disease. Therefore, it has been classified as a Variant of Uncertain Significance. Experimental studies and prediction algorithms are not available or were not evaluated, and the functional significance of this variant is currently unknown. This variant has not been reported in the literature in individuals affected with CAMK2B-related conditions. This variant is not present in population databases (gnomAD no frequency). This sequence change creates a premature translational stop signal (p.Gln225*) in the CAMK2B gene. It is expected to result in an absent or disrupted protein product. However, the current clinical and genetic evidence is not sufficient to establish whether loss-of-function variants in CAMK2B cause disease.